The following is an entry in ClinVar:

ClinVar aggregate classification (germline): Uncertain significance. Review status: criteria provided, multiple submitters, no conflicts (2 of 4 stars). 2 submissions from 2 submitters: Uncertain significance (2). Last evaluated 2025-06-04.

Conditions:
Inborn genetic diseases. Identifiers: MedGen C0950123, MeSH D030342.
2-aminoadipic 2-oxoadipic aciduria (AAKAD). Also called: ALPHA-AMINOADIPIC AND ALPHA-KETOADIPIC ACIDURIA; Aminoadipic aciduria. Identifiers: Orphanet 79154, MedGen C1859817, MONDO:0008774, OMIM 204750.

Allele frequency attached by ClinVar (database versions not stated): gnomAD 0.00001; TOPMed 0.00001.
gnomAD v4.1: 13 of 1,565,272 alleles (0.00083%); highest among the groups gnomAD compares: Non-Finnish European, 0.0011%; no homozygotes.

Submissions (2):

Labcorp Genetics (formerly Invitae), Labcorp
Classification: Uncertain significance for 2-aminoadipic 2-oxoadipic aciduria. Last evaluated: 2025-06-04. Review status: criteria provided, single submitter. Criteria: Invitae Variant Classification Sherloc (09022015). Collection method: clinical testing. Allele origin: germline.
Comment: This sequence change replaces proline, which is neutral and non-polar, with arginine, which is basic and polar, at codon 43 of the DHTKD1 protein (p.Pro43Arg). This variant is not present in population databases (gnomAD no frequency). This variant has not been reported in the literature in individuals affected with DHTKD1-related conditions. ClinVar contains an entry for this variant (Variation ID: 1378183). Invitae Evidence Modeling of protein sequence and biophysical properties (such as structural, functional, and spatial information, amino acid conservation, physicochemical variation, residue mobility, and thermodynamic stability) indicates that this missense variant is not expected to disrupt DHTKD1 protein function with a negative predictive value of 80%. In summary, the available evidence is currently insufficient to determine the role of this variant in disease. Therefore, it has been classified as a Variant of Uncertain Significance.

Ambry Genetics
Classification: Uncertain significance for Inborn genetic diseases. Last evaluated: 2025-03-10. Review status: criteria provided, single submitter. Criteria: Ambry Variant Classification Scheme 2023. Collection method: clinical testing. Allele origin: germline.

NM_018706.7(DHTKD1):c.128C>G (p.Pro43Arg)

Genes: DHTKD1 (dehydrogenase E1 and transketolase domain containing 1; plus strand), LOC130003343 (ATAC-STARR-seq lymphoblastoid silent region 2137; plus strand). Cytogenetic location: 10p14.
Variant type: single nucleotide variant.
Coding change: c.128C>G on transcript NM_018706.7 (MANE Select); coding-DNA position 128, C replaced by G.
Protein change: p.Pro43Arg; replaces proline 43 with arginine.
Molecular consequence: missense variant.
Genome position (GRCh38, 1-based): chr10:12,069,161, C>G. VCF-style: chr10-12069161-C-G. GRCh37 (hg19) VCF-style: chr10-12111160-C-G.
Other names: c.128C>G (NM_018706.5); short protein forms P43R.
Identifiers: ClinVar variation 1378183 (VCV001378183.9), dbSNP rs1277649888, ClinGen allele CA376012169.